The following is an entry in ClinVar:

ClinVar aggregate classification (germline): Uncertain significance. Review status: criteria provided, multiple submitters, no conflicts (2 of 4 stars). 3 submissions from 3 submitters: Uncertain significance (3). Last evaluated 2026-07-13.

Conditions:
HOXB13-related disorder. Also called: HOXB13-related disorders; HOXB13-related condition.
Hereditary cancer-predisposing syndrome. Also called: Neoplastic Syndromes, Hereditary; Hereditary Cancer Syndrome; Tumor predisposition; Hereditary neoplastic syndrome. Identifiers: Orphanet 140162, MedGen C0027672, MeSH D009386, MONDO:0015356.

Allele frequency attached by ClinVar (database versions not stated): gnomAD exomes below 0.00001; TOPMed below 0.00001.

Submissions (3):

PreventionGenetics, part of Exact Sciences
Classification: Uncertain significance for HOXB13-related condition. Last evaluated: 2026-07-13. Review status: criteria provided, single submitter. Criteria: ACMG Guidelines, 2015. Collection method: clinical testing. Allele origin: germline.
Comment: The HOXB13 c.716A>G variant is predicted to result in the amino acid substitution p.Lys239Arg. To our knowledge, this variant has not been reported in the literature or in a large population database (gnomAD), indicating it is rare. It is interpreted as uncertain in ClinVar (Variation ID: 826880). At this time, the clinical significance of this variant is uncertain due to the absence of conclusive functional and genetic evidence.

Ambry Genetics
Classification: Uncertain significance for Hereditary cancer-predisposing syndrome. Last evaluated: 2024-03-02. Review status: criteria provided, single submitter. Criteria: Ambry Variant Classification Scheme 2023. Collection method: clinical testing. Allele origin: germline.
Comment: The p.K239R variant (also known as c.716A>G), located in coding exon 2 of the HOXB13 gene, results from an A to G substitution at nucleotide position 716. The lysine at codon 239 is replaced by arginine, an amino acid with highly similar properties. This amino acid position is highly conserved in available vertebrate species. In addition, the in silico prediction for this alteration is inconclusive. Since supporting evidence is limited at this time, the clinical significance of this alteration remains unclear.

Labcorp Genetics (formerly Invitae), Labcorp
Classification: Uncertain significance. Last evaluated: 2022-09-27. Review status: criteria provided, single submitter. Criteria: Invitae Variant Classification Sherloc (09022015). Collection method: clinical testing. Allele origin: germline.
Comment: This sequence change replaces lysine, which is basic and polar, with arginine, which is basic and polar, at codon 239 of the HOXB13 protein (p.Lys239Arg). This variant is not present in population databases (gnomAD no frequency). This variant has not been reported in the literature in individuals affected with HOXB13-related conditions. ClinVar contains an entry for this variant (Variation ID: 826880). Advanced modeling of protein sequence and biophysical properties (such as structural, functional, and spatial information, amino acid conservation, physicochemical variation, residue mobility, and thermodynamic stability) performed at Invitae indicates that this missense variant is not expected to disrupt HOXB13 protein function. Algorithms developed to predict the effect of sequence changes on RNA splicing suggest that this variant may create or strengthen a splice site. In summary, the available evidence is currently insufficient to determine the role of this variant in disease. Therefore, it has been classified as a Variant of Uncertain Significance.

NM_006361.6(HOXB13):c.716A>G (p.Lys239Arg)

Gene: HOXB13 (homeobox B13; minus strand). Cytogenetic location: 17q21.32.
Variant type: single nucleotide variant.
Coding change: c.716A>G on transcript NM_006361.6 (MANE Select); coding-DNA position 716, A replaced by G.
Protein change: p.Lys239Arg; replaces lysine 239 with arginine.
Molecular consequence: missense variant.
Genome position (GRCh38, 1-based): chr17:48,726,929, T>C on the plus strand (A>G on the coding strand, the complement: HOXB13 is on the minus strand). VCF-style: chr17-48726929-T-C. GRCh37 (hg19) VCF-style: chr17-46804291-T-C.
Other names: short protein forms K239R.
Identifiers: ClinVar variation 826880 (VCV000826880.15), dbSNP rs1274948633, ClinGen allele CA400106366.